The following is an entry in ClinVar:

ClinVar aggregate classification (germline): Likely benign. Review status: criteria provided, multiple submitters, no conflicts (2 of 4 stars). 2 submissions from 2 submitters: Likely benign (2). Last evaluated 2023-11-05.

Conditions:
Fanconi anemia (FA). Also called: Fanconi's anemia. Identifiers: Orphanet 84, MedGen C0015625, MeSH D005199, MONDO:0019391.

Allele frequency attached by ClinVar (database versions not stated): gnomAD exomes below 0.00001 and 0.00001; ExAC 0.00001.
gnomAD v4.1: 9 of 1,613,934 alleles (0.00056%); highest among the groups gnomAD compares: East Asian, 0.02%; no homozygotes.

Submissions (2):

Labcorp Genetics (formerly Invitae), Labcorp
Classification: Likely benign for Fanconi anemia. Last evaluated: 2023-11-05. Review status: criteria provided, single submitter. Criteria: Invitae Variant Classification Sherloc (09022015). Collection method: clinical testing. Allele origin: germline.

GeneDx
Classification: Likely benign. Last evaluated: 2018-03-08. Review status: criteria provided, single submitter. Criteria: GeneDx Variant Classification (06012015). Collection method: clinical testing. Allele origin: germline. Affected: yes.
Comment: This variant is considered likely benign or benign based on one or more of the following criteria: it is a conservative change, it occurs at a poorly conserved position in the protein, it is predicted to be benign by multiple in silico algorithms, and/or has population frequency not consistent with disease.

NM_000136.3(FANCC):c.522-6C>T

Genes: AOPEP (aminopeptidase O (putative); plus strand), FANCC (FA complementation group C; minus strand). Cytogenetic location: 9q22.32.
Variant type: single nucleotide variant.
Coding change: c.522-6C>T on transcript NM_000136.3 (MANE Select); 6 bases into the intron before coding-DNA position 522, C replaced by T.
Molecular consequence: intron variant.
Genome position (GRCh38, 1-based): chr9:95,150,093, G>A on the plus strand (C>T on the coding strand, the complement: FANCC is on the minus strand). VCF-style: chr9-95150093-G-A. GRCh37 (hg19) VCF-style: chr9-97912375-G-A.
Other names: c.522-6C>T (NM_001243743.2, NM_001243744.2).
Identifiers: ClinVar variation 516044 (VCV000516044.9), dbSNP rs763869417, ClinGen allele CA5137704.